The following is an entry in ClinVar:

NM_001127511.3(APC):c.-2C>T

Gene: APC (APC regulator of Wnt signaling pathway; plus strand). Cytogenetic location: 5q22.2.
Variant type: single nucleotide variant.
Coding change: c.-2C>T on transcript NM_001127511.3; 2 bases upstream of the start codon, C replaced by T.
Molecular consequence: 5 prime UTR variant. On other transcripts: non-coding transcript variant (1), intron variant (5).
Genome position (GRCh38, 1-based): chr5:112,707,716, C>T. VCF-style: chr5-112707716-C-T. GRCh37 (hg19) VCF-style: chr5-112043413-C-T.
Other names: c.-185C>T (NM_001354895.2, NM_001407447.1, NM_001407452.1 and 3 more transcripts); c.-2C>T (NM_001354897.2, NM_001354902.2, NM_001407446.1); c.-1220C>T (NM_001407470.1, NM_001407472.1); c.-19+67C>T (NM_001407448.1, NM_001407450.1, NM_001407457.1 and 1 more transcripts); c.-43+67C>T (NM_001407453.1).
Identifiers: ClinVar variation 469803 (VCV000469803.9), dbSNP rs1395970563, ClinGen allele CA561890274.

ClinVar aggregate classification (germline): Uncertain significance (1 of 4 stars; one submission).

Conditions:
Familial adenomatous polyposis 1 (FAP1). Also called: FAMILIAL ADENOMATOUS POLYPOSIS 1, ATTENUATED; POLYPOSIS, ADENOMATOUS INTESTINAL. Identifiers: MedGen C2713442, MONDO:0021056, OMIM 175100. Disease mechanism: loss of function.

Allele frequency attached by ClinVar (database versions not stated): gnomAD 0.00002; TOPMed below 0.00001.
gnomAD v4.1: 7 of 1,370,532 alleles (0.00051%); highest among the groups gnomAD compares: East Asian, 0.0034%; no homozygotes.

Submission:

Labcorp Genetics (formerly Invitae), Labcorp
Classification: Uncertain significance for Familial adenomatous polyposis 1. Last evaluated: 2025-09-28. Review status: criteria provided, single submitter. Criteria: Invitae Variant Classification Sherloc (09022015). Collection method: clinical testing. Allele origin: germline.
Comment: This variant occurs in a non-coding region of the APC gene. It does not change the encoded amino acid sequence of the APC protein. This variant is present in population databases (no rsID available, gnomAD 0.007%). This variant has not been reported in the literature in individuals affected with APC-related conditions. ClinVar contains an entry for this variant (Variation ID: 469803). Experimental studies and prediction algorithms are not available or were not evaluated, and the functional significance of this variant is currently unknown. In summary, the available evidence is currently insufficient to determine the role of this variant in disease. Therefore, it has been classified as a Variant of Uncertain Significance.